The following is an entry in ClinVar:

NM_000093.5(COL5A1):c.2088C>T (p.Pro696=)

Gene: COL5A1 (collagen type V alpha 1 chain; plus strand). Cytogenetic location: 9q34.3.
Variant type: single nucleotide variant.
Coding change: c.2088C>T on transcript NM_000093.5 (MANE Select); coding-DNA position 2088, C replaced by T.
Protein change: p.Pro696=; no amino-acid change (proline 696 retained).
Molecular consequence: synonymous variant.
Genome position (GRCh38, 1-based): chr9:134,765,734, C>T. VCF-style: chr9-134765734-C-T. GRCh37 (hg19) VCF-style: chr9-137657580-C-T.
Other names: c.2088C>T, p.Pro696= (NM_001278074.1).
Identifiers: ClinVar variation 264547 (VCV000264547.69), dbSNP rs146757272, ClinGen allele CA5319139.

ClinVar aggregate classification (germline): Conflicting classifications of pathogenicity. Review status: criteria provided, conflicting classifications (1 of 4 stars). 5 submissions from 5 submitters: Uncertain significance (1); Likely benign (4). Last evaluated 2025-12-03.

Conditions:
Ehlers-Danlos syndrome, classic type, 1 (EDSCL1). Also called: EDS I; EHLERS-DANLOS SYNDROME, GRAVIS TYPE; EHLERS-DANLOS SYNDROME, SEVERE CLASSIC TYPE; Ehlers-Danlos syndrome, type 1; Ehlers-Danlos Syndrome, Classic Type, COL5A1-Related. Identifiers: MedGen C0268335, MONDO:0019567, OMIM 130000.
Familial thoracic aortic aneurysm and aortic dissection (TAAD). Also called: Thoracic aortic aneurysms and dissections. Identifiers: Orphanet 91387, MedGen C4707243, MONDO:0019625.

Allele frequency attached by ClinVar (database versions not stated): TOPMed 0.00006; ExAC 0.00008; ESP Exome Variant Server 0.00008; gnomAD 0.00008 and 0.00011.
gnomAD v4.1: 69 of 1,612,340 alleles (0.0043%); highest among the groups gnomAD compares: Middle Eastern, 0.066%; 2 homozygotes.

Submissions (5):

Labcorp Genetics (formerly Invitae), Labcorp
Classification: Uncertain significance for Ehlers-Danlos syndrome, classic type, 1. Last evaluated: 2025-12-03. Review status: criteria provided, single submitter. Criteria: Invitae Variant Classification Sherloc (09022015). Collection method: clinical testing. Allele origin: germline.
Comment: This sequence change affects codon 696 of the COL5A1 mRNA. It is a 'silent' change, meaning that it does not change the encoded amino acid sequence of the COL5A1 protein. It affects a nucleotide within the consensus splice site. This variant is present in population databases (rs146757272, gnomAD 0.02%), including at least one homozygous and/or hemizygous individual. This variant has been observed in individual(s) with keratoconus (PMID: 29924831). ClinVar contains an entry for this variant (Variation ID: 264547). Algorithms developed to predict the effect of sequence changes on RNA splicing suggest that this variant is not likely to affect RNA splicing. In summary, the available evidence is currently insufficient to determine the role of this variant in disease. Therefore, it has been classified as a Variant of Uncertain Significance.

Women's Health and Genetics/Laboratory Corporation of America, LabCorp
Classification: Likely benign. Last evaluated: 2024-10-21. Review status: criteria provided, single submitter. Criteria: LabCorp Variant Classification Summary - May 2015. Collection method: clinical testing. Allele origin: germline.
Comment: Variant summary: COL5A1 c.2088C>T (p.Pro696Pro) alters a conserved nucleotide located close to a canonical splice site and therefore could affect mRNA splicing, leading to a significantly altered protein sequence. Consensus agreement among computation tools predict no significant impact on normal splicing. However, these predictions have yet to be confirmed by functional studies. The variant allele was found at a frequency of 6.4e-05 in 250262 control chromosomes in the gnomAD database, including 1 homozygotes. The observed variant frequency is approximately 2.046 fold of the estimated maximal expected allele frequency for a pathogenic variant in COL5A1 causing Ehlers-Danlos Syndrome phenotype (3.1e-05). c.2088C>T has been reported in the literature in individual(s) affected with keratoconus (Lucas_2018). This report does not provide unequivocal conclusions about association of the variant with Ehlers-Danlos Syndrome. To our knowledge, no experimental evidence demonstrating an impact on protein function has been reported. ClinVar contains an entry for this variant (Variation ID: 264547). Based on the evidence outlined above, the variant was classified as likely benign.

CeGaT Center for Human Genetics Tuebingen
Classification: Likely benign. Last evaluated: 2024-09-01. Review status: criteria provided, single submitter. Criteria: CeGaT Center For Human Genetics Tuebingen Variant Classification Criteria Version 2. Collection method: clinical testing. Allele origin: germline. Affected: yes. Observed: 1 variant allele.
Comment: COL5A1: BP4, BP7

Ambry Genetics
Classification: Likely benign for Familial thoracic aortic aneurysm and aortic dissection. Last evaluated: 2020-03-18. Review status: criteria provided, single submitter. Criteria: Ambry Variant Classification Scheme 2023. Collection method: clinical testing. Allele origin: germline.

GeneDx
Classification: Likely benign. Last evaluated: 2017-05-16. Review status: criteria provided, single submitter. Criteria: GeneDx Variant Classification (06012015). Collection method: clinical testing. Allele origin: germline. Affected: yes.
Comment: This variant is considered likely benign or benign based on one or more of the following criteria: it is a conservative change, it occurs at a poorly conserved position in the protein, it is predicted to be benign by multiple in silico algorithms, and/or has population frequency not consistent with disease.

Literature cited by the submitters: PubMed 29924831 (cited by Labcorp Genetics (formerly Invitae), Labcorp and Women's Health and Genetics/Laboratory Corporation of America, LabCorp); PubMed 22696272 (cited by Ambry Genetics).